The following is an entry in ClinVar:

NM_014141.6(CNTNAP2):c.2255+259G>A

Gene: CNTNAP2 (contactin associated protein 2; plus strand). Cytogenetic location: 7q35.
Variant type: single nucleotide variant.
Coding change: c.2255+259G>A on transcript NM_014141.6 (MANE Select); 259 bases into the intron after coding-DNA position 2255, G replaced by A.
Molecular consequence: intron variant.
Genome position (GRCh38, 1-based): chr7:147,903,980, G>A. VCF-style: chr7-147903980-G-A. GRCh37 (hg19) VCF-style: chr7-147601072-G-A.
Identifiers: ClinVar variation 669018 (VCV000669018.1), dbSNP rs77160761, ClinGen allele CA168786596.

ClinVar aggregate classification (germline): Likely benign (1 of 4 stars; one submission).

Allele frequency attached by ClinVar (database versions not stated): 1000 Genomes Project 0.02716; 1000 Genomes Project 30x 0.02951; gnomAD 0.04392 and 0.04560; TOPMed 0.04424.
gnomAD v4.1: 6,649 of 152,256 alleles (4.4%); highest among the groups gnomAD compares: Non-Finnish European, 5.3%; 175 homozygotes.

Submission:

GeneDx
Classification: Likely benign. Last evaluated: 2018-06-19. Review status: criteria provided, single submitter. Criteria: GeneDx Variant Classification (06012015). Collection method: clinical testing. Allele origin: germline. Affected: yes.
Comment: This variant is considered likely benign or benign based on one or more of the following criteria: it is a conservative change, it occurs at a poorly conserved position in the protein, it is predicted to be benign by multiple in silico algorithms, and/or has population frequency not consistent with disease.